The following is an entry in ClinVar:

NM_004082.5(DCTN1):c.3750C>G (p.Phe1250Leu)

Gene: DCTN1 (dynactin subunit 1; minus strand). Cytogenetic location: 2p13.1.
Variant type: single nucleotide variant.
Coding change: c.3750C>G on transcript NM_004082.5 (MANE Select); coding-DNA position 3750, C replaced by G.
Protein change: p.Phe1250Leu; replaces phenylalanine 1250 with leucine.
Molecular consequence: missense variant. On other transcripts: non-coding transcript variant (1).
Genome position (GRCh38, 1-based): chr2:74,361,586, G>C on the plus strand (C>G on the coding strand, the complement: DCTN1 is on the minus strand). VCF-style: chr2-74361586-G-C. GRCh37 (hg19) VCF-style: chr2-74588713-G-C.
Other names: c.3675C>G, p.Phe1225Leu (NM_001135040.3); c.3333C>G, p.Phe1111Leu (NM_001135041.3); c.3624C>G, p.Phe1208Leu (NM_001190836.2); c.3729C>G, p.Phe1243Leu (NM_001190837.2); c.3699C>G, p.Phe1233Leu (NM_001378991.1); c.3681C>G, p.Phe1227Leu (NM_001378992.1); c.3348C>G, p.Phe1116Leu (NM_023019.4); short protein forms F1208L, F1116L, F1111L, F1225L, F1250L, F1243L, F1227L, F1233L.
Identifiers: ClinVar variation 835939 (VCV000835939.10), dbSNP rs1673994728, ClinGen allele CA347334577.

ClinVar aggregate classification (germline): Uncertain significance (1 of 4 stars; one submission).

Conditions:
Amyotrophic lateral sclerosis type 1 (ALS1). Also called: AMYOTROPHIC LATERAL SCLEROSIS 1, FAMILIAL. Identifiers: Orphanet 803, MedGen C1862939, MONDO:0007103, OMIM 105400.
Perry syndrome. Also called: PARKINSONISM WITH ALVEOLAR HYPOVENTILATION AND MENTAL DEPRESSION. Identifiers: Orphanet 178509, MedGen C1868594, MONDO:0008201, OMIM 168605.
Neuronopathy, distal hereditary motor, type 7B. Also called: Distal Hereditary Motor Neuronopathy Type 7B (dHMN7B); HMN VIIB; LOWER MOTOR NEURON DISEASE, DYNACTIN TYPE; NEURONOPATHY, DISTAL HEREDITARY MOTOR, AUTOSOMAL DOMINANT 14; NEURONOPATHY, DISTAL HEREDITARY MOTOR, HARDING TYPE VIIB; NEUROPATHY, DISTAL HEREDITARY MOTOR, HARDING TYPE VIIB. Identifiers: Orphanet 139589, MedGen C1843315, MONDO:0011879, OMIM 607641.

Submission:

Labcorp Genetics (formerly Invitae), Labcorp
Classification: Uncertain significance for Amyotrophic lateral sclerosis type 1; Neuronopathy, distal hereditary motor, type 7B; Perry syndrome. Last evaluated: 2022-03-18. Review status: criteria provided, single submitter. Criteria: Invitae Variant Classification Sherloc (09022015). Collection method: clinical testing. Allele origin: germline.
Comment: This sequence change replaces phenylalanine, which is neutral and non-polar, with leucine, which is neutral and non-polar, at codon 1250 of the DCTN1 protein (p.Phe1250Leu). This variant is not present in population databases (gnomAD no frequency). This variant has not been reported in the literature in individuals affected with DCTN1-related conditions. ClinVar contains an entry for this variant (Variation ID: 835939). Algorithms developed to predict the effect of missense changes on protein structure and function are either unavailable or do not agree on the potential impact of this missense change (SIFT: "Deleterious"; PolyPhen-2: "Benign"; Align-GVGD: "Class C15"). In summary, the available evidence is currently insufficient to determine the role of this variant in disease. Therefore, it has been classified as a Variant of Uncertain Significance.